The following is an entry in ClinVar:

NM_002224.4(ITPR3):c.89+6T>G

Gene: ITPR3 (inositol 1,4,5-trisphosphate receptor type 3; plus strand). Cytogenetic location: 6p21.31.
Variant type: single nucleotide variant.
Coding change: c.89+6T>G on transcript NM_002224.4 (MANE Select); 6 bases into the intron after coding-DNA position 89, T replaced by G.
Molecular consequence: intron variant.
Genome position (GRCh38, 1-based): chr6:33,621,697, T>G. VCF-style: chr6-33621697-T-G. GRCh37 (hg19) VCF-style: chr6-33589474-T-G.
Identifiers: ClinVar variation 5000468 (VCV005000468.1).

ClinVar aggregate classification (germline): Likely benign (1 of 4 stars; one submission).

Conditions:
ITPR3-related disorder. Also called: ITPR3-related condition.

gnomAD v4.1: 2 of 1,598,452 alleles (0.00013%); highest among the groups gnomAD compares: Non-Finnish European, 0.00017%; no homozygotes.

Submission:

PreventionGenetics, part of Exact Sciences
Classification: Likely benign for ITPR3-related condition. Last evaluated: 2026-06-22. Review status: criteria provided, single submitter. Criteria: ACMG Guidelines, 2015. Collection method: clinical testing. Allele origin: germline.
Comment: This variant is classified as likely benign based on ACMG/AMP sequence variant interpretation guidelines (Richards et al. 2015 PMID: 25741868, with internal and published modifications).